The following is an entry in ClinVar:

NM_000264.5(PTCH1):c.3397A>G (p.Thr1133Ala)

Gene: PTCH1 (patched 1; minus strand). Cytogenetic location: 9q22.32.
Variant type: single nucleotide variant.
Coding change: c.3397A>G on transcript NM_000264.5 (MANE Select); coding-DNA position 3397, A replaced by G.
Protein change: p.Thr1133Ala; replaces threonine 1133 with alanine.
Molecular consequence: missense variant. On other transcripts: non-coding transcript variant (1).
Genome position (GRCh38, 1-based): chr9:95,453,530, T>C on the plus strand (A>G on the coding strand, the complement: PTCH1 is on the minus strand). VCF-style: chr9-95453530-T-C. GRCh37 (hg19) VCF-style: chr9-98215812-T-C.
Other names: c.3199A>G, p.Thr1067Ala (NM_001083602.3); c.3394A>G, p.Thr1132Ala (NM_001083603.3); c.2944A>G, p.Thr982Ala (NM_001083604.3, NM_001083605.3, NM_001083606.3 and 1 more transcripts); c.3241A>G, p.Thr1081Ala (NM_001354918.2); short protein forms T1067A, T1133A, T982A, T1081A, T1132A.
Identifiers: ClinVar variation 428851 (VCV000428851.15), dbSNP rs1131690996, ClinGen allele CA374111755.

ClinVar aggregate classification (germline): Conflicting classifications of pathogenicity. Review status: criteria provided, conflicting classifications (1 of 4 stars). 3 submissions from 3 submitters: Likely pathogenic (1); Uncertain significance (2). Last evaluated 2024-01-17.

Conditions:
Hereditary cancer-predisposing syndrome. Also called: Hereditary neoplastic syndrome; Tumor predisposition; Neoplastic Syndromes, Hereditary; Hereditary Cancer Syndrome. Identifiers: Orphanet 140162, MedGen C0027672, MeSH D009386, MONDO:0015356.
Gorlin syndrome. Also called: Nevoid Basal Cell Carcinoma Syndrome; Basal cell nevus syndrome. Identifiers: Orphanet 377, MedGen C0004779, MONDO:0007187.

Submissions (3):

Ambry Genetics
Classification: Likely pathogenic for Hereditary cancer-predisposing syndrome. Last evaluated: 2024-01-17. Review status: criteria provided, single submitter. Criteria: Ambry Variant Classification Scheme 2023. Collection method: clinical testing. Allele origin: germline.
Comment: The p.T1133A variant (also known as c.3397A>G), located in coding exon 20 of the PTCH1 gene, results from an A to G substitution at nucleotide position 3397. The threonine at codon 1133 is replaced by alanine, an amino acid with similar properties. This variant has been observed in multiple individuals with a personal and/or family history that is consistent with nevoid basal cell carcinoma syndrome (Ambry internal data; External communication). This amino acid position is highly conserved in available vertebrate species. In addition, this alteration is predicted to be deleterious by in silico analysis. This variant is considered to be rare based on population cohorts in the Genome Aggregation Database (gnomAD). Based on the majority of available evidence to date, this variant is likely to be pathogenic.

Sema4
Classification: Uncertain significance for Hereditary cancer-predisposing syndrome. Last evaluated: 2021-11-02. Review status: criteria provided, single submitter. Criteria: Sema4 Curation Guidelines. Collection method: curation. Allele origin: germline.
Comment: The PTCH1 c.3397A>G (p.T1133A) variant has not been reported in the literature to our knowledge. It was not observed in the large and broad cohorts of the Genome Aggregation Database, but has been reported in ClinVar (Variation ID: 428851). In silico tools suggest the impact of the variant on protein function is deleterious, though these predictions have not been confirmed by functional studies. The evidence is insufficient to meet ACMG/AMP criteria for classifying the variant as benign or pathogenic. Thus, the clinical significance of this variant is currently uncertain.

Labcorp Genetics (formerly Invitae), Labcorp
Classification: Uncertain significance for Gorlin syndrome. Last evaluated: 2021-07-22. Review status: criteria provided, single submitter. Criteria: Invitae Variant Classification Sherloc (09022015). Collection method: clinical testing. Allele origin: germline.
Comment: In summary, the available evidence is currently insufficient to determine the role of this variant in disease. Therefore, it has been classified as a Variant of Uncertain Significance. Algorithms developed to predict the effect of missense changes on protein structure and function are either unavailable or do not agree on the potential impact of this missense change (SIFT: "Tolerated"; PolyPhen-2: "Probably Damaging"; Align-GVGD: "Class C0"). This variant has been observed in individual(s) with clinical features of basal cell nevus syndrome (Invitae). ClinVar contains an entry for this variant (Variation ID: 428851). This variant is not present in population databases (ExAC no frequency). This sequence change replaces threonine with alanine at codon 1133 of the PTCH1 protein (p.Thr1133Ala). The threonine residue is moderately conserved and there is a small physicochemical difference between threonine and alanine.